The following is an entry in ClinVar:

NM_022455.5(NSD1):c.2429G>T (p.Cys810Phe)

Gene: NSD1 (nuclear receptor binding SET domain protein 1; plus strand). Cytogenetic location: 5q35.3.
Variant type: single nucleotide variant.
Coding change: c.2429G>T on transcript NM_022455.5 (MANE Select); coding-DNA position 2429, G replaced by T.
Protein change: p.Cys810Phe; replaces cysteine 810 with phenylalanine.
Molecular consequence: missense variant.
Genome position (GRCh38, 1-based): chr5:177,210,828, G>T. VCF-style: chr5-177210828-G-T. GRCh37 (hg19) VCF-style: chr5-176637829-G-T.
Other names: c.1556G>T, p.Cys519Phe (NM_001365684.2, NM_001409306.1, NM_001409307.1 and 3 more transcripts); c.2429G>T, p.Cys810Phe (NM_001409301.1, NM_001409302.1, NM_001409303.1); c.2009G>T, p.Cys670Phe (NM_001409304.1); c.1676G>T, p.Cys559Phe (NM_001409305.1); short protein forms C541F, C810F, C670F, C559F, C519F.
Identifiers: ClinVar variation 1014273 (VCV001014273.9), dbSNP rs1763281290, ClinGen allele CA362317752.
Genomic context (GRCh38, chr5:177,210,828, plus strand): 5'-TAAAGTGCAAACACAAAGAAAATCCAGTTATGGCAGAACCCCCAGTTATAAATGAGGAGT[G>T]CAGTTTGAAATGCTGCTCTTCTGATACCAAAGGCTCTCCTTTGGCCAGCATTTCTAAAAG-3'
Protein context (NP_071900.2, residues 800-820): MAEPPVINEE[Cys810Phe]SLKCCSSDTK

ClinVar aggregate classification (germline): Uncertain significance (1 of 4 stars; one submission).

Submission:

Labcorp Genetics (formerly Invitae), Labcorp
Classification: Uncertain significance. Last evaluated: 2020-03-10. Review status: criteria provided, single submitter. Criteria: Invitae Variant Classification Sherloc (09022015). Collection method: clinical testing. Allele origin: germline.
Comment: In summary, the available evidence is currently insufficient to determine the role of this variant in disease. Therefore, it has been classified as a Variant of Uncertain Significance. This sequence change replaces cysteine with phenylalanine at codon 810 of the NSD1 protein (p.Cys810Phe). The cysteine residue is weakly conserved and there is a large physicochemical difference between cysteine and phenylalanine. This variant is not present in population databases (ExAC no frequency). This variant has not been reported in the literature in individuals with NSD1-related conditions. Algorithms developed to predict the effect of missense changes on protein structure and function output the following: SIFT: "Tolerated"; PolyPhen-2: "Benign"; Align-GVGD: "Class C0". The phenylalanine amino acid residue is found in multiple mammalian species, suggesting that this missense change does not adversely affect protein function. These predictions have not been confirmed by published functional studies and their clinical significance is uncertain.